The following is an entry in ClinVar:

ClinVar aggregate classification (germline): Likely benign. Review status: criteria provided, multiple submitters, no conflicts (2 of 4 stars). 2 submissions from 2 submitters: Likely benign (2). Last evaluated 2025-10-13.

Conditions:
COL18A1-related disorder. Also called: COL18A1-related disorders; COL18A1-related condition.

Allele frequency attached by ClinVar (database versions not stated): gnomAD exomes 0.00001; gnomAD 0.00002; TOPMed 0.00002; ExAC 0.00007; ESP Exome Variant Server 0.00017.
gnomAD v4.1: 23 of 1,606,992 alleles (0.0014%); highest among the groups gnomAD compares: Middle Eastern, 0.022%; no homozygotes.

Submissions (2):

Labcorp Genetics (formerly Invitae), Labcorp
Classification: Likely benign. Last evaluated: 2025-10-13. Review status: criteria provided, single submitter. Criteria: Invitae Variant Classification Sherloc (09022015). Collection method: clinical testing. Allele origin: germline.

PreventionGenetics, part of Exact Sciences
Classification: Likely benign for COL18A1-related condition. Last evaluated: 2025-09-03. Review status: criteria provided, single submitter. Criteria: ACMG Guidelines, 2015. Collection method: clinical testing. Allele origin: germline.
Comment: This variant is classified as likely benign based on ACMG/AMP sequence variant interpretation guidelines (Richards et al. 2015 PMID: 25741868, with internal and published modifications).

NM_001379500.1(COL18A1):c.771C>T (p.Asp257=)

Gene: COL18A1 (collagen type XVIII alpha 1 chain; plus strand). Cytogenetic location: 21q22.3.
Variant type: single nucleotide variant.
Coding change: c.771C>T on transcript NM_001379500.1 (MANE Select); coding-DNA position 771, C replaced by T.
Protein change: p.Asp257=; no amino-acid change (aspartic acid 257 retained).
Molecular consequence: synonymous variant.
Genome position (GRCh38, 1-based): chr21:45,475,508, C>T. VCF-style: chr21-45475508-C-T. GRCh37 (hg19) VCF-style: chr21-46895422-C-T.
Other names: c.1311C>T, p.Asp437= (NM_030582.4); c.2016C>T, p.Asp672= (NM_130444.3); c.1311C>T (NM_030582.3).
Identifiers: ClinVar variation 1986269 (VCV001986269.5), dbSNP rs371736290, ClinGen allele CA10065886.
Genomic context (GRCh38, chr21:45,475,508, plus strand): 5'-CCAGCCTTTCCCTTTTCAAACTCCTCAGGCATCCGGAGACTCTGGCAGCGGGCTCGGGGA[C>T]GCCCGGGAGCTTCTCAGGGAGGAGACGGTGAGTAGCCGGACGGGGCCCAGCCCACGCTGC-3'
Protein context (NP_001366429.1, residues 247-267): ASGDSGSGLG[Asp257=]ARELLREETG